The following is an entry in ClinVar:

ClinVar aggregate classification (germline): Uncertain significance (1 of 4 stars; one submission).

Submission:

GeneDx
Classification: Uncertain significance. Last evaluated: 2023-11-15. Review status: criteria provided, single submitter. Criteria: GeneDx Variant Classification Process June 2021. Collection method: clinical testing. Allele origin: germline. Affected: yes.
Comment: Not observed at significant frequency in large population cohorts (gnomAD); In silico analysis supports that this missense variant does not alter protein structure/function; Has not been previously published as pathogenic or benign to our knowledge

NM_032620.4(GTPBP3):c.760G>C (p.Val254Leu)

Gene: GTPBP3 (GTP binding protein 3, mitochondrial; plus strand). Cytogenetic location: 19p13.11.
Variant type: single nucleotide variant.
Coding change: c.760G>C on transcript NM_032620.4 (MANE Select); coding-DNA position 760, G replaced by C.
Protein change: p.Val254Leu; replaces valine 254 with leucine.
Molecular consequence: missense variant.
Genome position (GRCh38, 1-based): chr19:17,339,218, G>C. VCF-style: chr19-17339218-G-C. GRCh37 (hg19) VCF-style: chr19-17450027-G-C.
Other names: c.760G>C, p.Val254Leu (NM_001128855.3); c.826G>C, p.Val276Leu (NM_001195422.1); c.856G>C, p.Val286Leu (NM_133644.4); short protein forms V254L, V276L, V286L.
Identifiers: ClinVar variation 3364413 (VCV003364413.1).